The following is an entry in ClinVar:

ClinVar aggregate classification (germline): Likely pathogenic. Review status: criteria provided, single submitter (1 of 4 stars). 2 submissions from 2 submitters: Likely pathogenic (1). 1 of the submissions does not count toward it. Last evaluated 2015-03-30.

Conditions:
Charcot-Marie-Tooth disease. Also called: Charcot-Marie-Tooth Hereditary Neuropathy; Charcot-Marie-Tooth Neuropathy. Identifiers: Orphanet 166, MedGen C0007959, MONDO:0015626.
Charcot-Marie-Tooth disease, type I (CMT1). Also called: Charcot-Marie-Tooth, Type 1; Charcot-Marie-Tooth disease type 1. Identifiers: Orphanet 65753, MedGen C0751036, MONDO:0019011.

Submissions (2):

Labcorp Genetics (formerly Invitae), Labcorp
Classification: Likely pathogenic for Charcot-Marie-Tooth disease, type I. Last evaluated: 2015-03-30. Review status: criteria provided, single submitter. Criteria: Invitae Variant Classification Sherloc (09022015). Collection method: clinical testing. Allele origin: germline.
Comment: A similar missense change (p.Ser140Thr) was reported in 4 members of a family affected with Charcot-Marie-Tooth disease (PMID: 12207932). For these reasons, this variant has been classified as Likely Pathogenic. Algorithms developed to predict the effect of missense changes on protein structure and function (SIFT, PolyPhen-2, Align-GVGD) all suggest that this variant is likely to be disruptive, but these predictions have not been confirmed by published functional studies. This variant was reported in an individual affected with Charcot-Marie-Tooth type 1B (CMT1B). This variant was also reported in this individual's son who presented with subclinical symptoms of CMT1B (PMID: 24028194). This variant has been reported in the literature and is not present in population databases. This sequence change replaces serine with cysteine at codon 140 of the MPZ protein (p.Ser140Cys). The serine residue is highly conserved and there is a moderate physicochemical difference between serine and cysteine. This is region of the MPZ protein is highly conserved among many mammalian species. Codon 140 is located in the extracellular domain and this functional region mediates the adhesive properties of the protein and is critical to myelin function (PMID: 12207932).

Inherited Neuropathy Consortium
Classification: Uncertain significance for Charcot-Marie-Tooth disease. Review status: no assertion criteria provided. Collection method: literature only. Allele origin: germline. Affected: yes. Not counted in ClinVar's aggregate classification.

Literature cited by the submitters: PubMed 12207932 (cited by Labcorp Genetics (formerly Invitae), Labcorp); PubMed 24028194 (cited by Labcorp Genetics (formerly Invitae), Labcorp); PubMed 22433810 (cited by Inherited Neuropathy Consortium).

NM_000530.8(MPZ):c.419C>G (p.Ser140Cys)

Gene: MPZ (myelin protein zero; minus strand). Cytogenetic location: 1q23.3.
Variant type: single nucleotide variant.
Coding change: c.419C>G on transcript NM_000530.8 (MANE Select); coding-DNA position 419, C replaced by G.
Protein change: p.Ser140Cys; replaces serine 140 with cysteine.
Molecular consequence: missense variant.
Genome position (GRCh38, 1-based): chr1:161,306,737, G>C on the plus strand (C>G on the coding strand, the complement: MPZ is on the minus strand). VCF-style: chr1-161306737-G-C. GRCh37 (hg19) VCF-style: chr1-161276527-G-C.
Other names: c.419C>G (LRG_256t1); c.419C>G, p.Ser140Cys (NM_001315491.2); short protein forms S140C.
Identifiers: ClinVar variation 215993 (VCV000215993.7), dbSNP rs863224449, ClinGen allele CA337957.